The following is an entry in ClinVar:

ClinVar aggregate classification (germline): Uncertain significance (1 of 4 stars; one submission).

gnomAD v4.1: 1 of 1,519,150 alleles (0.000066%); highest among the groups gnomAD compares: Admixed American, 0.002%; no homozygotes.

Submission:

CeGaT Center for Human Genetics Tuebingen
Classification: Uncertain significance. Last evaluated: 2024-07-01. Review status: criteria provided, single submitter. Criteria: CeGaT Center For Human Genetics Tuebingen Variant Classification Criteria Version 2. Collection method: clinical testing. Allele origin: germline. Affected: yes. Observed: 1 variant allele.
Comment: ZNF469: PM2, BP4

NM_001367624.2(ZNF469):c.1957C>A (p.Pro653Thr)

Gene: ZNF469 (zinc finger protein 469; plus strand). Cytogenetic location: 16q24.2.
Variant type: single nucleotide variant.
Coding change: c.1957C>A on transcript NM_001367624.2 (MANE Select); coding-DNA position 1957, C replaced by A.
Protein change: p.Pro653Thr; replaces proline 653 with threonine.
Molecular consequence: missense variant.
Genome position (GRCh38, 1-based): chr16:88,429,427, C>A. VCF-style: chr16-88429427-C-A. GRCh37 (hg19) VCF-style: chr16-88495835-C-A.
Other names: short protein forms P653T.
Identifiers: ClinVar variation 3257468 (VCV003257468.17).